The following is an entry in ClinVar:

ClinVar aggregate classification (germline): Pathogenic. Review status: criteria provided, multiple submitters, no conflicts (2 of 4 stars). 4 submissions from 4 submitters: Pathogenic (4). Last evaluated 2022-06-04.

Conditions:
Spondyloepiphyseal dysplasia tarda (SEDT). Also called: SPONDYLOEPIPHYSEAL DYSPLASIA, LATE. Identifiers: Orphanet 93284, MedGen CN033239, MONDO:0019667.
TRAPPC2-related disorder. Also called: TRAPPC2-related condition.

Submissions (4):

Labcorp Genetics (formerly Invitae), Labcorp
Classification: Pathogenic. Last evaluated: 2022-06-04. Review status: criteria provided, single submitter. Criteria: Invitae Variant Classification Sherloc (09022015). Collection method: clinical testing. Allele origin: germline.
Comment: This sequence change creates a premature translational stop signal (p.Met81Glufs*7) in the TRAPPC2 gene. It is expected to result in an absent or disrupted protein product. Loss-of-function variants in TRAPPC2 are known to be pathogenic (PMID: 11349230). This variant is not present in population databases (gnomAD no frequency). This premature translational stop signal has been observed in individual(s) with spondyloepiphyseal dysplasia tarda (PMID: 11349230). For these reasons, this variant has been classified as Pathogenic.

Blueprint Genetics
Classification: Pathogenic for TRAPPC2-related disorders. Last evaluated: 2020-12-16. Review status: criteria provided, single submitter. Criteria: ACMG Guidelines, 2015. Collection method: clinical testing. Allele origin: germline. Affected: yes. Observed: 3 variant alleles.

Diagnostics Services (NGS), CSIR - Centre For Cellular And Molecular Biology
Classification: Pathogenic for Spondyloepiphyseal dysplasia tarda, X-linked. Last evaluated: 2019-12-17. Review status: criteria provided, single submitter. Criteria: ACMG Guidelines, 2015. Collection method: clinical testing. Allele origin: germline. Inheritance: X-linked recessive inheritance. Affected: yes. Observed: 1 hemizygote.
Comment: The c.241_242del variant causes frameshift at 81st aminoacid that results in a premature stop codon at 87th amino acid.The variation may lead to either a truncated protein or nonsense mediated decay (NMD) of the mRNA. The variant is located near the 3' acceptor splice-site of exon 4, within a regulatory region of splicing (Exonic Splicing Enhancer/Silencer), thus may also can affect the splicing event in the mRNA, as predicted by online Human Splicing Finder version 3.1 (HSF3.1) tool. The variant is not present in publicly available databases like 1000 Genomes, Exome Variant Server (EVS), Exome Aggregation Consortium (ExAC), Genome Aggregation Database (gnomAD) and dbSNP. The variant is also not present in our in-house exome database. The variant was earlier reported Human Genome Mutation Database (HGMD ID:CD012542) in other similarly affected individuals [ Gedeon et al., Am J Hum Genet, 2001]. In-silico pathogenicity prediction programs like MutationTaster2, CADD etc. predicted this variant as likely deleterious. Based on ACMG guidelines the variant has been classified as pathogenic.

CeGaT Center for Human Genetics Tuebingen
Classification: Pathogenic. Last evaluated: 2017-11-01. Review status: criteria provided, single submitter. Criteria: CeGaT Center For Human Genetics Tuebingen Variant Classification Criteria Version 2. Collection method: clinical testing. Allele origin: germline. Affected: yes. Observed: 1 variant allele.

Literature cited by the submitters: PubMed 11349230 (cited by Labcorp Genetics (formerly Invitae), Labcorp).

NM_001011658.4(TRAPPC2):c.241_242del (p.Met81fs)

Genes: OFD1 (OFD1 centriole and centriolar satellite protein; plus strand), TRAPPC2 (trafficking protein particle complex subunit 2; minus strand). Cytogenetic location: Xp22.2.
Variant type: Microsatellite.
Coding change: c.241_242del on transcript NM_001011658.4 (MANE Select); coding-DNA positions 241 to 242, 2 bases deleted (AT; older notation c.241_242delAT).
Protein change: p.Met81fs; shifts the reading frame from methionine 81.
Molecular consequence: frameshift variant.
Genome position (GRCh38, 1-based): chrX:13,716,086-13,716,087, AT deleted on the plus strand (AT on the coding strand, the reverse complement: TRAPPC2 is on the minus strand); deleting any 2 consecutive bases within chrX:13,716,086-13,716,089 gives the same sequence; the c. name uses the placement nearest the transcript's 3' end. VCF-style (leftmost placement, unchanged base first): chrX-13716085-CAT-C. GRCh37 (hg19) VCF-style: chrX-13734204-CAT-C.
Other names: c.343_344del, p.Met115fs (NM_001128835.3); c.241_242del, p.Met81fs (NM_014563.6); c.241_242del (NM_014563.5); short protein forms M115fs, M81fs.
Identifiers: ClinVar variation 804351 (VCV000804351.52), dbSNP rs1602708047, ClinGen allele CA915952310.
Genomic context (GRCh38, chrX:13,716,085, plus strand): 5'-ATCAGTAAAGAAGTTCTTTATTCCATCTTCTTGTCTTATGTCATGAAGCATAATAAACCT[CAT>C]ATGTGAAATAATTAAGGCATAATCTTTCTTAGAAATGAAAAACAAAAAGCAACCAGTTCG-3'